The following is an entry in ClinVar:

NM_001845.6(COL4A1):c.2191A>C (p.Lys731Gln)

Gene: COL4A1 (collagen type IV alpha 1 chain; minus strand). Cytogenetic location: 13q34.
Variant type: single nucleotide variant.
Coding change: c.2191A>C on transcript NM_001845.6 (MANE Select); coding-DNA position 2191, A replaced by C.
Protein change: p.Lys731Gln; replaces lysine 731 with glutamine.
Molecular consequence: missense variant.
Genome position (GRCh38, 1-based): chr13:110,181,294, T>G on the plus strand (A>C on the coding strand, the complement: COL4A1 is on the minus strand). VCF-style: chr13-110181294-T-G. GRCh37 (hg19) VCF-style: chr13-110833641-T-G.
Other names: c.2191A>C (NM_001845.4); short protein forms K731Q.
Identifiers: ClinVar variation 1954274 (VCV001954274.6), dbSNP rs779636582, ClinGen allele CA7047683.

ClinVar aggregate classification (germline): Uncertain significance. Review status: criteria provided, multiple submitters, no conflicts (2 of 4 stars). 2 submissions from 2 submitters: Uncertain significance (2). Last evaluated 2023-06-26.

Allele frequency attached by ClinVar (database versions not stated): TOPMed below 0.00001; gnomAD exomes 0.00001; ExAC 0.00002.
gnomAD v4.1: 4 of 1,613,836 alleles (0.00025%); highest among the groups gnomAD compares: Non-Finnish European, 0.00034%; no homozygotes.

Submissions (2):

GeneDx
Classification: Uncertain significance. Last evaluated: 2023-06-26. Review status: criteria provided, single submitter. Criteria: GeneDx Variant Classification Process June 2021. Collection method: clinical testing. Allele origin: germline. Affected: yes.
Comment: In silico analysis supports that this missense variant has a deleterious effect on protein structure/function; Has not been previously published as pathogenic or benign to our knowledge; Occurs in the triple helical domain at the Y position in the canonical Gly-X-Y repeat; although this variant may have an effect on normal protein folding and function, missense substitution at the Y position is not a common mechanism of disease

Labcorp Genetics (formerly Invitae), Labcorp
Classification: Uncertain significance. Last evaluated: 2022-07-09. Review status: criteria provided, single submitter. Criteria: Invitae Variant Classification Sherloc (09022015). Collection method: clinical testing. Allele origin: germline.
Comment: Algorithms developed to predict the effect of missense changes on protein structure and function (SIFT, PolyPhen-2, Align-GVGD) all suggest that this variant is likely to be tolerated. In summary, the available evidence is currently insufficient to determine the role of this variant in disease. Therefore, it has been classified as a Variant of Uncertain Significance. This variant has not been reported in the literature in individuals affected with COL4A1-related conditions. This variant is present in population databases (rs779636582, gnomAD 0.002%). This sequence change replaces lysine, which is basic and polar, with glutamine, which is neutral and polar, at codon 731 of the COL4A1 protein (p.Lys731Gln).